The following is an entry in ClinVar:

NM_000090.4(COL3A1):c.197T>G (p.Ile66Arg)

Gene: COL3A1 (collagen type III alpha 1 chain; plus strand). Cytogenetic location: 2q32.2.
Variant type: single nucleotide variant.
Coding change: c.197T>G on transcript NM_000090.4 (MANE Select); coding-DNA position 197, T replaced by G.
Protein change: p.Ile66Arg; replaces isoleucine 66 with arginine.
Molecular consequence: missense variant.
Genome position (GRCh38, 1-based): chr2:188,984,877, T>G. VCF-style: chr2-188984877-T-G. GRCh37 (hg19) VCF-style: chr2-189849603-T-G.
Other names: short protein forms I66R.
Identifiers: ClinVar variation 3073546 (VCV003073546.1), dbSNP rs2469106201, ClinGen allele CA349847174.

ClinVar aggregate classification (germline): Uncertain significance (1 of 4 stars; one submission).

Conditions:
Ehlers-Danlos syndrome, type 4 (EDSVASC). Also called: Ehlers-Danlos Syndrome Type IV; Ehlers-Danlos syndrome vascular type; Ehlers Danlos syndrome, ecchymotic type; Ehlers Danlos syndrome, arterial type; Ehlers Danlos syndrome, Sack-Barabas type. Identifiers: Orphanet 286, MedGen C0268338, MONDO:0017314, OMIM 130050.

Submission:

All of Us Research Program, National Institutes of Health
Classification: Uncertain significance for Ehlers-Danlos syndrome, type 4. Last evaluated: 2023-10-02. Review status: criteria provided, single submitter. Criteria: ACMG Guidelines, 2015. Collection method: clinical testing. Allele origin: germline. Inheritance: Autosomal dominant inheritance. Observed: 1 variant allele, 1 heterozygote.
Comment: This missense variant replaces isoleucine with arginine at codon 66 of the COL3A1 protein. Computational prediction suggests that this variant may not impact protein structure and function (internally defined REVEL score threshold <= 0.5, PMID: 27666373). To our knowledge, functional studies have not been reported for this variant. This variant has not been reported in individuals affected with COL3A1-related disorders in the literature. This variant has not been identified in the general population by the Genome Aggregation Database (gnomAD). The available evidence is insufficient to determine the role of this variant in disease conclusively. Therefore, this variant is classified as a Variant of Uncertain Significance.

This study involves interpretation of variants in research participants for the purpose of population health screening. Participant phenotype was not available at the time of variant classification. Additional details can be found in publication PMID: 35346344, PMCID: PMC8962531